The following is an entry in ClinVar:

ClinVar aggregate classification (germline): Uncertain significance (1 of 4 stars; one submission).

Allele frequency attached by ClinVar (database versions not stated): gnomAD exomes below 0.00001.
gnomAD v4.1: 1 of 1,613,824 alleles (0.000062%); highest among the groups gnomAD compares: Non-Finnish European, 0.000085%; no homozygotes.

Submission:

Labcorp Genetics (formerly Invitae), Labcorp
Classification: Uncertain significance. Last evaluated: 2022-05-06. Review status: criteria provided, single submitter. Criteria: Invitae Variant Classification Sherloc (09022015). Collection method: clinical testing. Allele origin: germline.
Comment: In summary, the available evidence is currently insufficient to determine the role of this variant in disease. Therefore, it has been classified as a Variant of Uncertain Significance. Algorithms developed to predict the effect of missense changes on protein structure and function output the following: SIFT: "Tolerated"; PolyPhen-2: "Benign"; Align-GVGD: "Class C0". The histidine amino acid residue is found in multiple mammalian species, which suggests that this missense change does not adversely affect protein function. This variant has not been reported in the literature in individuals affected with DNASE2-related conditions. This variant is present in population databases (no rsID available, gnomAD 0.0009%). This sequence change replaces asparagine, which is neutral and polar, with histidine, which is basic and polar, at codon 134 of the DNASE2 protein (p.Asn134His).

NM_001375.3(DNASE2):c.400A>C (p.Asn134His)

Gene: DNASE2 (deoxyribonuclease 2, lysosomal; minus strand). Cytogenetic location: 19p13.13.
Variant type: single nucleotide variant.
Coding change: c.400A>C on transcript NM_001375.3 (MANE Select); coding-DNA position 400, A replaced by C.
Protein change: p.Asn134His; replaces asparagine 134 with histidine.
Molecular consequence: missense variant.
Genome position (GRCh38, 1-based): chr19:12,878,781, T>G on the plus strand (A>C on the coding strand, the complement: DNASE2 is on the minus strand). VCF-style: chr19-12878781-T-G. GRCh37 (hg19) VCF-style: chr19-12989595-T-G.
Other names: short protein forms N134H.
Identifiers: ClinVar variation 1957763 (VCV001957763.5), dbSNP rs1422751089, ClinGen allele CA404300281.
Genomic context (GRCh38, chr19:12,878,781, plus strand): 5'-CGTAGGTACAGGCGCTATGAGGCCAGCTGTATGCAGCAGAGGAGGCCGGTGGAGGGAAGT[T>G]AGGTACACTGTGGACCAGCCAGAAGCCCCCATCGTGGTCAAGGAGCAGGACACCTGGACC-3'
Protein context (NP_001366.1, residues 124-144): GGFWLVHSVP[Asn134His]FPPPASSAAY